The following is an entry in ClinVar:

ClinVar aggregate classification (germline): Likely benign (0 of 4 stars; one submission).

Conditions:
BSN-related disorder. Also called: BSN-related condition.

Allele frequency attached by ClinVar (database versions not stated): ESP Exome Variant Server 0.00008; gnomAD exomes 0.00020; ExAC 0.00023; gnomAD 0.00029; TOPMed 0.00035.
gnomAD v4.1: 350 of 1,613,116 alleles (0.022%); highest among the groups gnomAD compares: Admixed American, 0.065%; no homozygotes.

Submission:

PreventionGenetics, part of Exact Sciences
Classification: Likely benign for BSN-related condition. Last evaluated: 2019-03-01. Review status: no assertion criteria provided. Collection method: clinical testing. Allele origin: germline.
Comment: This variant is classified as likely benign based on ACMG/AMP sequence variant interpretation guidelines (Richards et al. 2015 PMID: 25741868, with internal and published modifications).

NM_003458.4(BSN):c.11670C>T (p.Ala3890=)

Gene: BSN (bassoon presynaptic cytomatrix protein; plus strand). Cytogenetic location: 3p21.31.
Variant type: single nucleotide variant.
Coding change: c.11670C>T on transcript NM_003458.4 (MANE Select); coding-DNA position 11670, C replaced by T.
Protein change: p.Ala3890=; no amino-acid change (alanine 3890 retained).
Molecular consequence: synonymous variant.
Genome position (GRCh38, 1-based): chr3:49,664,484, C>T. VCF-style: chr3-49664484-C-T. GRCh37 (hg19) VCF-style: chr3-49701917-C-T.
Identifiers: ClinVar variation 3045950 (VCV003045950.2), dbSNP rs151287102, ClinGen allele CA2401582.